The following is an entry in ClinVar:

ClinVar aggregate classification (germline): Uncertain significance (1 of 4 stars; one submission).

Allele frequency attached by ClinVar (database versions not stated): TOPMed 0.00001.

Submission:

GeneDx
Classification: Uncertain significance. Last evaluated: 2023-04-28. Review status: criteria provided, single submitter. Criteria: GeneDx Variant Classification Process June 2021. Collection method: clinical testing. Allele origin: germline. Affected: yes.
Comment: Not observed at significant frequency in large population cohorts (gnomAD); In silico analysis supports that this missense variant does not alter protein structure/function; Has not been previously published as pathogenic or benign to our knowledge

NM_004595.5(SMS):c.238G>A (p.Ala80Thr)

Gene: SMS (spermine synthase; plus strand). Cytogenetic location: Xp22.11.
Variant type: single nucleotide variant.
Coding change: c.238G>A on transcript NM_004595.5 (MANE Select); coding-DNA position 238, G replaced by A.
Protein change: p.Ala80Thr; replaces alanine 80 with threonine.
Molecular consequence: missense variant. On other transcripts: intron variant (1).
Genome position (GRCh38, 1-based): chrX:21,971,964, G>A. VCF-style: chrX-21971964-G-A. GRCh37 (hg19) VCF-style: chrX-21990082-G-A.
Other names: c.170+4648G>A (NM_001258423.2); short protein forms A80T.
Identifiers: ClinVar variation 2662834 (VCV002662834.1), dbSNP rs1924189021, ClinGen allele CA412565431.
Genomic context (GRCh38, chrX:21,971,964, plus strand): 5'-AATTTGAGAATTTACCCACATGGATTGGTGTTGCTGGACCTTCAGAGTTATGATGGTGAT[G>A]CGCAAGGCAAAGAAGAGATCGACAGTGTCGGTTTTTCACTTTCATTTACTCAGTGTTTAA-3'
Protein context (NP_004586.2, residues 70-90): LLDLQSYDGD[Ala80Thr]QGKEEIDSIL